The following is an entry in ClinVar:

NM_001110556.2(FLNA):c.6001del (p.Arg2001fs)

Gene: FLNA (filamin A; minus strand). Cytogenetic location: Xq28.
Variant type: Deletion.
Coding change: c.6001del on transcript NM_001110556.2 (MANE Select); coding-DNA position 6001, one base deleted (C; older notation c.6001delC).
Protein change: p.Arg2001fs; shifts the reading frame from arginine 2001.
Molecular consequence: frameshift variant.
Genome position (GRCh38, 1-based): chrX:154,353,317, G deleted on the plus strand (C on the coding strand, the reverse complement: FLNA is on the minus strand). VCF-style (leftmost placement, unchanged base first): chrX-154353316-CG-C. GRCh37 (hg19) VCF-style: chrX-153581684-CG-C.
Other names: c.5977delC (NM_001456.3); c.5977del, p.Arg1993fs (NM_001456.4); short protein forms R1993fs, R2001fs.
Identifiers: ClinVar variation 818013 (VCV000818013.3), dbSNP rs1603359417, ClinGen allele CA915952157.

ClinVar aggregate classification (germline): Likely pathogenic (1 of 4 stars; one submission).

Submission:

GeneDx
Classification: Likely pathogenic. Last evaluated: 2020-08-28. Review status: criteria provided, single submitter. Criteria: GeneDx Variant Classification Process June 2021. Collection method: clinical testing. Allele origin: germline. Affected: yes.
Comment: Frameshift variant predicted to result in protein truncation or nonsense mediated decay in a gene for which loss-of-function is a known mechanism of disease; Not observed in large population cohorts (Lek et al., 2016); Has not been previously published as pathogenic or benign to our knowledge